The following is an entry in ClinVar:

NM_000038.6(APC):c.7330A>G (p.Ile2444Val)

Gene: APC (APC regulator of Wnt signaling pathway; plus strand). Cytogenetic location: 5q22.2.
Variant type: single nucleotide variant.
Coding change: c.7330A>G on transcript NM_000038.6 (MANE Select); coding-DNA position 7330, A replaced by G.
Protein change: p.Ile2444Val; replaces isoleucine 2444 with valine.
Molecular consequence: missense variant.
Genome position (GRCh38, 1-based): chr5:112,842,924, A>G. VCF-style: chr5-112842924-A-G. GRCh37 (hg19) VCF-style: chr5-112178621-A-G.
Other names: c.7330A>G, p.Ile2444Val (NM_001127510.3, NM_001354895.2, NM_001407450.1); c.7276A>G, p.Ile2426Val (NM_001127511.3); c.7384A>G, p.Ile2462Val (NM_001354896.2, NM_001407447.1, NM_001407448.1 and 1 more transcripts); c.7360A>G, p.Ile2454Val (NM_001354897.2); c.7255A>G, p.Ile2419Val (NM_001354898.2); c.7246A>G, p.Ile2416Val (NM_001354899.2); c.7207A>G, p.Ile2403Val (NM_001354900.2); c.7153A>G, p.Ile2385Val (NM_001354901.2, NM_001407453.1); and 11 more; short protein forms I2060V, I2161V, I2361V, I2385V, I2403V, I2426V, I2444V, I2454V.
Identifiers: ClinVar variation 1758382 (VCV001758382.2), dbSNP rs1766449959, ClinGen allele CA16037293.
Genomic context (GRCh38, chr5:112,842,924, plus strand): 5'-TCAAGTGGAAGTGAATCTGATAGATCAGAAAGACCTGTATTAGTACGCCAGTCAACTTTC[A>G]TCAAAGAAGCTCCAAGCCCAACCTTAAGAAGAAAATTGGAGGAATCTGCTTCATTTGAAT-3'
Protein context (NP_000029.2, residues 2434-2454): RPVLVRQSTF[Ile2444Val]KEAPSPTLRR

ClinVar aggregate classification (germline): Uncertain significance (1 of 4 stars; one submission).

Conditions:
Hereditary cancer-predisposing syndrome. Also called: Neoplastic Syndromes, Hereditary; Tumor predisposition; Hereditary Cancer Syndrome; Hereditary neoplastic syndrome. Identifiers: Orphanet 140162, MedGen C0027672, MeSH D009386, MONDO:0015356.

Submission:

Ambry Genetics
Classification: Uncertain significance for Hereditary cancer-predisposing syndrome. Last evaluated: 2021-03-11. Review status: criteria provided, single submitter. Criteria: Ambry Variant Classification Scheme 2023. Collection method: clinical testing. Allele origin: germline.
Comment: The p.I2444V variant (also known as c.7330A>G), located in coding exon 15 of the APC gene, results from an A to G substitution at nucleotide position 7330. The isoleucine at codon 2444 is replaced by valine, an amino acid with highly similar properties. This amino acid position is highly conserved in available vertebrate species. In addition, in silico predictors for this gene do not accurately predict pathogenicity. Since supporting evidence is limited at this time, the clinical significance of this alteration remains unclear.